The following is an entry in ClinVar:

NM_000478.6(ALPL):c.653T>G (p.Ile218Ser)

Gene: ALPL (alkaline phosphatase, biomineralization associated; plus strand). Cytogenetic location: 1p36.12.
Variant type: single nucleotide variant.
Coding change: c.653T>G on transcript NM_000478.6 (MANE Select); coding-DNA position 653, T replaced by G.
Protein change: p.Ile218Ser; replaces isoleucine 218 with serine.
Molecular consequence: missense variant.
Genome position (GRCh38, 1-based): chr1:21,568,108, T>G. VCF-style: chr1-21568108-T-G. GRCh37 (hg19) VCF-style: chr1-21894601-T-G.
Other names: c.653T>G, p.Ile218Ser (NM_001369804.2, NM_001369805.2, NM_001369803.2); c.488T>G, p.Ile163Ser (NM_001127501.4); c.422T>G, p.Ile141Ser (NM_001177520.3); short protein forms I141S, I163S, I218S.
Identifiers: ClinVar variation 4974815 (VCV004974815.2).

ClinVar aggregate classification (germline): Likely pathogenic. Review status: criteria provided, multiple submitters, no conflicts (2 of 4 stars). 2 submissions from 2 submitters: Likely pathogenic (2). Last evaluated 2026-09-01.

Conditions:
Hypophosphatasia. Also called: Phosphoethanol-aminuria. Identifiers: Orphanet 436, MedGen C0020630, MeSH D007014, MONDO:0018570.

Submissions (2):

Genomenon, Inc
Classification: Likely pathogenic for Hypophosphatasia. Last evaluated: 2026-09-01. Review status: criteria provided, single submitter. Criteria: Genomenon Sequence Variant Interpretation Standards - Updated. Collection method: curation. Allele origin: germline. Affected: yes.
Comment: ALPL p.Ile218Ser (c.653T>G) is a missense variant that changes the amino acid at codon 218 from Isoleucine to Serine. This variant has been observed in at least one proband affected with an ALPL-related disorder (PMID:32983484). The presence of pathogenic/likely pathogenic missense variant(s) at the same amino acid position indicates that this residue is likely important for protein function. It is absent or not present at a significant frequency in gnomAD. In silico models predict that this variant is possibly or probably damaging. In conclusion, we classify ALPL p.Ile218Ser (c.653T>G) as a likely pathogenic variant.

JKU Lab, Dept of Paediatrics, Johannes Kepler University
Classification: Likely pathogenic for Hypophosphatasia. Last evaluated: 2026-08-13. Review status: criteria provided, single submitter. Criteria: ACMG Guidelines, 2015. Collection method: curation. Allele origin: germline. Affected: yes.
Comment: This missense variant is not present in GnomAD 4.1 and affects a highly conserved amino acid, not in a functional domain. The variant is predicted to affect protein function (REVEL score: 0.975). Splice-prediction algorithms predict no effect on splicing. This variant has been reported in the literature in individuals affected with ALPL-related conditions (PMID:32983484).

Literature cited by the submitters: PubMed 32983484 (cited by Genomenon, Inc and JKU Lab, Dept of Paediatrics, Johannes Kepler University).